The following is an entry in ClinVar:

ClinVar aggregate classification (germline): Uncertain significance. Review status: criteria provided, multiple submitters, no conflicts (2 of 4 stars). 5 submissions from 5 submitters: Uncertain significance (5). Last evaluated 2025-10-29.

Conditions:
RAB3GAP1-related disorder. Also called: RAB3GAP1-related condition; RAB3GAP1-related disorders.
Inborn genetic diseases. Identifiers: MedGen C0950123, MeSH D030342.
Warburg micro syndrome 1 (WARBM1). Identifiers: Orphanet 2510, MedGen C1838625, MONDO:0010822, OMIM 600118.

Allele frequency attached by ClinVar (database versions not stated): gnomAD exomes 0.00006 and 0.00013; gnomAD 0.00008 and 0.00009; TOPMed 0.00009; ExAC 0.00013; 1000 Genomes Project 30x 0.00031; 1000 Genomes Project 0.00040.
gnomAD v4.1: 109 of 1,607,352 alleles (0.0068%); highest among the groups gnomAD compares: South Asian, 0.064%; no homozygotes.

Submissions (5):

PreventionGenetics, part of Exact Sciences
Classification: Uncertain significance for RAB3GAP1-related condition. Last evaluated: 2025-10-29. Review status: criteria provided, single submitter. Criteria: ACMG Guidelines, 2015. Collection method: clinical testing. Allele origin: germline.
Comment: The RAB3GAP1 c.1588C>T variant is predicted to result in the amino acid substitution p.Arg530Cys. To our knowledge, this variant has not been reported in the literature. This variant is reported in 0.092% of alleles in individuals of South Asian descent in gnomAD. Although we suspect this variant may be benign, at this time, the clinical significance of this variant is uncertain due to the absence of conclusive functional and genetic evidence.

Labcorp Genetics (formerly Invitae), Labcorp
Classification: Uncertain significance. Last evaluated: 2022-02-24. Review status: criteria provided, single submitter. Criteria: Invitae Variant Classification Sherloc (09022015). Collection method: clinical testing. Allele origin: germline.
Comment: In summary, the available evidence is currently insufficient to determine the role of this variant in disease. Therefore, it has been classified as a Variant of Uncertain Significance. Algorithms developed to predict the effect of missense changes on protein structure and function (SIFT, PolyPhen-2, Align-GVGD) all suggest that this variant is likely to be disruptive. ClinVar contains an entry for this variant (Variation ID: 894357). This variant has not been reported in the literature in individuals affected with RAB3GAP1-related conditions. This variant is present in population databases (rs541272906, gnomAD 0.09%). This sequence change replaces arginine, which is basic and polar, with cysteine, which is neutral and slightly polar, at codon 530 of the RAB3GAP1 protein (p.Arg530Cys).

Ambry Genetics
Classification: Uncertain significance for Inborn genetic diseases. Last evaluated: 2021-01-13. Review status: criteria provided, single submitter. Criteria: Ambry Variant Classification Scheme 2023. Collection method: clinical testing. Allele origin: germline.

Illumina Laboratory Services, Illumina
Classification: Uncertain significance for Warburg micro syndrome 1. Last evaluated: 2018-01-12. Review status: criteria provided, single submitter. Criteria: ICSL Variant Classification Criteria 13 December 2019. Collection method: clinical testing. Allele origin: germline.

Breakthrough Genomics
Classification: Uncertain significance. Review status: criteria provided, single submitter. Criteria: ACMG Guidelines, 2015. Collection method: not provided. Allele origin: germline. Inheritance: Autosomal recessive inheritance. Affected: yes.

NM_012233.3(RAB3GAP1):c.1588C>T (p.Arg530Cys)

Gene: RAB3GAP1 (RAB3 GTPase activating protein catalytic subunit 1; plus strand). Cytogenetic location: 2q21.3.
Variant type: single nucleotide variant.
Coding change: c.1588C>T on transcript NM_012233.3 (MANE Select); coding-DNA position 1588, C replaced by T.
Protein change: p.Arg530Cys; replaces arginine 530 with cysteine.
Molecular consequence: missense variant.
Genome position (GRCh38, 1-based): chr2:135,135,597, C>T. VCF-style: chr2-135135597-C-T. GRCh37 (hg19) VCF-style: chr2-135893167-C-T.
Other names: c.1588C>T, p.Arg530Cys (NM_001172435.2); short protein forms R530C.
Identifiers: ClinVar variation 894357 (VCV000894357.10), dbSNP rs541272906, ClinGen allele CA1884889.
Genomic context (GRCh38, chr2:135,135,597, plus strand): 5'-TATAAATGTTATTTCTCTTTTCTTAAGATGTTAAATTGTTGTATTGAAAGAAAGAAGGCA[C>T]GTGATGAGGGGAAAAAGACAAGTGCTTCAGATGTCACTAATATATATCCAGGGGATGCTG-3'
Protein context (NP_036365.1, residues 520-540): LNCCIERKKA[Arg530Cys]DEGKKTSASD